The following is an entry in ClinVar:

ClinVar aggregate classification (germline): Uncertain significance (1 of 4 stars; one submission).

Conditions:
Inborn genetic diseases. Identifiers: MedGen C0950123, MeSH D030342.

Submission:

Ambry Genetics
Classification: Uncertain significance for Inborn genetic diseases. Last evaluated: 2022-12-05. Review status: criteria provided, single submitter. Criteria: Ambry Variant Classification Scheme 2023. Collection method: clinical testing. Allele origin: germline.
Comment: The c.243_266del24 (p.L83_P90del) alteration is located in exon 1 (coding exon 1) of the CHD3 gene. This alteration consists of an in-frame deletion of 24 nucleotides between nucleotide positions c.243 and c.266, resulting in the deletion of 8 residues. Based on insufficient or conflicting evidence, the clinical significance of this alteration remains unclear.

NM_001005271.3(CHD3):c.243_266del (p.Leu83_Pro90del)

Genes: CHD3 (chromodomain helicase DNA binding protein 3; plus strand), NAA38 (N-alpha-acetyltransferase 38, NatC auxiliary subunit; minus strand). Cytogenetic location: 17p13.1.
Variant type: Deletion.
Coding change: c.243_266del on transcript NM_001005271.3; coding-DNA positions 243 to 266, 24 bases deleted (ACCGCTGCCCCCGCCGCCGCCGCC).
Protein change: p.Leu83_Pro90del.
Molecular consequence: inframe deletion. On other transcripts: intron variant (1).
Genome position (GRCh38, 1-based): chr17:7,885,049-7,885,072, ACCGCTGCCCCCGCCGCCGCCGCC deleted; deleting any 24 consecutive bases within chr17:7,885,035-7,885,072 gives the same sequence; the c. name uses the placement nearest the transcript's 3' end. VCF-style (leftmost placement, unchanged base first): chr17-7885034-GCCGCCGCCGCCGCCACCGCTGCCC-G. GRCh37 (hg19) VCF-style: chr17-7788352-GCCGCCGCCGCCGCCACCGCTGCCC-G.
Other names: c.243_266del, p.Leu83_Pro90del (NM_001437504.1, NM_001437507.1, NM_001437508.1 and 1 more transcripts); c.-167+107_-167+130del (NM_001330111.2).
Identifiers: ClinVar variation 2387999 (VCV002387999.2), dbSNP rs1351908737, ClinGen allele CA624866923.